The following is an entry in ClinVar:

NM_000261.2(MYOC):c.31T>C (p.Phe11Leu)

Gene: MYOC (myocilin; minus strand). Cytogenetic location: 1q24.3.
Variant type: single nucleotide variant.
Coding change: c.31T>C on transcript NM_000261.2 (MANE Select); coding-DNA position 31, T replaced by C.
Protein change: p.Phe11Leu; replaces phenylalanine 11 with leucine.
Molecular consequence: missense variant.
Genome position (GRCh38, 1-based): chr1:171,652,581, A>G on the plus strand (T>C on the coding strand, the complement: MYOC is on the minus strand). VCF-style: chr1-171652581-A-G. GRCh37 (hg19) VCF-style: chr1-171621721-A-G.
Other names: NM_000261.2(MYOC):c.31T>C; p.Phe11Leu; short protein forms F11L.
Identifiers: ClinVar variation 877041 (VCV000877041.6), dbSNP rs1653382463, ClinGen allele CA343720120.

ClinVar aggregate classification (germline): Uncertain significance. Review status: reviewed by expert panel (3 of 4 stars). 3 submissions from 2 submitters: Uncertain significance (1). 2 of the submissions do not count toward it. Last evaluated 2025-11-12.

Conditions:
Glaucoma. Identifiers: MedGen C0017601, MONDO:0005041, HP:0000501.
Glaucoma 1, open angle, A (GLC1A). Also called: Glaucoma, Dominant (Juvenile Onset). Identifiers: Orphanet 98977, MedGen C1842028, MONDO:0007664, OMIM 137750.
Open-angle glaucoma. Identifiers: MedGen C0017612, MONDO:0005338, HP:0012108.

Submissions (3):

ClinGen Glaucoma Variant Curation Expert Panel
Classification: Uncertain significance for Open-angle glaucoma. Last evaluated: 2025-11-12. Review status: reviewed by expert panel. Criteria: ClinGen Glaucoma ACMG Specifications V2.0.0 Approved. Collection method: curation. Allele origin: germline. Inheritance: Autosomal dominant inheritance.
Comment: The c.31T>C variant in MYOC is a missense variant predicted to cause substitution of Phenylalanine by Leucine at amino acid 11 (p.Phe11Leu). This variant was not found in any genetic ancestry group of gnomAD (v4.1.0), meeting the ≤ 0.0001 threshold set for PM2_Supporting in a genetic ancestry group of at least 10,000 alleles. The REVEL score = 0.03, which was within the 0.017-0.183 range for BP4_Moderate, suggesting that the variant does not impact MYOC function. There was no functional evidence predicting a damaging or benign impact of this variant on MYOC function.This variant was identified in laboratory based testing, but has not yet been found in a proband with juvenile or primary open angle glaucoma. In summary, this variant met the criteria to receive a score of -1 and to be classified as a variant of uncertain significance (uncertain significance classification range -1 to 5, adapted from PMID: 32720330) for primary open angle glaucoma based on the ACMG/AMP criteria met, as specified by the ClinGen Glaucoma VCEP (v2.0.0, 5 Dec 2024): BP4_Moderate, PM2_Supporting

Illumina Laboratory Services, Illumina
Classification: Uncertain significance for Glaucoma 1, open angle, A. Last evaluated: 2018-01-12. Review status: criteria provided, single submitter. Criteria: ICSL Variant Classification Criteria 13 December 2019. Collection method: clinical testing. Allele origin: germline. Not counted in ClinVar's aggregate classification.

Illumina Laboratory Services, Illumina
Classification: Uncertain significance for Glaucoma. Last evaluated: 2018-01-12. Review status: criteria provided, single submitter. Criteria: ICSL Variant Classification Criteria 13 December 2019. Collection method: clinical testing. Allele origin: germline. Not counted in ClinVar's aggregate classification.